The following is an entry in ClinVar:

NM_001164586.2(IGFN1):c.3285A>C (p.Gly1095=)

Gene: IGFN1 (immunoglobulin like and fibronectin type III domain containing 1; plus strand). Cytogenetic location: 1q32.1.
Variant type: single nucleotide variant.
Coding change: c.3285A>C on transcript NM_001164586.2 (MANE Select); coding-DNA position 3285, A replaced by C.
Protein change: p.Gly1095=; no amino-acid change (glycine 1095 retained).
Molecular consequence: synonymous variant. On other transcripts: intron variant (1).
Genome position (GRCh38, 1-based): chr1:201,208,178, A>C. VCF-style: chr1-201208178-A-C. GRCh37 (hg19) VCF-style: chr1-201177306-A-C.
Other names: c.1241+2044A>C (NM_001367841.1).
Identifiers: ClinVar variation 2639749 (VCV002639749.24), dbSNP rs563169996, ClinGen allele CA35990124.

ClinVar aggregate classification (germline): Likely benign (1 of 4 stars; one submission).

Allele frequency attached by ClinVar (database versions not stated): gnomAD exomes 0.00009; gnomAD 0.00010; TOPMed 0.00018; 1000 Genomes Project 0.00020; 1000 Genomes Project 30x 0.00031.
gnomAD v4.1: 148 of 1,536,920 alleles (0.0096%); highest among the groups gnomAD compares: Middle Eastern, 0.3%; no homozygotes.

Submission:

CeGaT Center for Human Genetics Tuebingen
Classification: Likely benign. Last evaluated: 2022-04-01. Review status: criteria provided, single submitter. Criteria: CeGaT Center For Human Genetics Tuebingen Variant Classification Criteria Version 2. Collection method: clinical testing. Allele origin: germline. Affected: yes. Observed: 1 variant allele.
Comment: IGFN1: BP4, BP7